The following is an entry in ClinVar:

ClinVar aggregate classification (germline): Likely benign. Review status: criteria provided, multiple submitters, no conflicts (2 of 4 stars). 3 submissions from 3 submitters: Likely benign (2). 1 of the submissions does not count toward it. Last evaluated 2022-11-01.

Conditions:
LAMA1-related disorder. Also called: LAMA1-related disorders; LAMA1-related condition.

Allele frequency attached by ClinVar (database versions not stated): ExAC 0.00006; gnomAD 0.00007; gnomAD exomes 0.00007; TOPMed 0.00007; 1000 Genomes Project 30x 0.00016; 1000 Genomes Project 0.00020.
gnomAD v4.1: 106 of 1,614,170 alleles (0.0066%); highest among the groups gnomAD compares: Admixed American, 0.012%; no homozygotes.

Submissions (3):

Labcorp Genetics (formerly Invitae), Labcorp
Classification: Likely benign. Last evaluated: 2022-11-01. Review status: criteria provided, single submitter. Criteria: Invitae Variant Classification Sherloc (09022015). Collection method: clinical testing. Allele origin: germline.

Blueprint Genetics
Classification: Likely benign. Last evaluated: 2022-06-07. Review status: criteria provided, single submitter. Criteria: ACMG Guidelines, 2015. Collection method: clinical testing. Allele origin: germline.

PreventionGenetics, part of Exact Sciences
Classification: Likely benign for LAMA1-related condition. Last evaluated: 2020-07-30. Review status: no assertion criteria provided. Collection method: clinical testing. Allele origin: germline. Not counted in ClinVar's aggregate classification.
Comment: This variant is classified as likely benign based on ACMG/AMP sequence variant interpretation guidelines (Richards et al. 2015 PMID: 25741868, with internal and published modifications).

NM_005559.4(LAMA1):c.8694C>T (p.Ser2898=)

Gene: LAMA1 (laminin subunit alpha 1; minus strand). Cytogenetic location: 18p11.31.
Variant type: single nucleotide variant.
Coding change: c.8694C>T on transcript NM_005559.4 (MANE Select); coding-DNA position 8694, C replaced by T.
Protein change: p.Ser2898=; no amino-acid change (serine 2898 retained).
Molecular consequence: synonymous variant.
Genome position (GRCh38, 1-based): chr18:6,948,419, G>A on the plus strand (C>T on the coding strand, the complement: LAMA1 is on the minus strand). VCF-style: chr18-6948419-G-A. GRCh37 (hg19) VCF-style: chr18-6948418-G-A.
Other names: c.8694C>T (NM_005559.3).
Identifiers: ClinVar variation 2417586 (VCV002417586.10), dbSNP rs199804823, ClinGen allele CA8880394.
Genomic context (GRCh38, chr18:6,948,419, plus strand): 5'-AGACTCATTCGGGGACTGCCTTCGAGAGTGTTGCTAACACATACCAAGAGCTGCATATCC[G>A]CTTCCGTCAAAGTATGTTCCTTCCTGGGCCACTGCGTAGCACCTGTTCACCGTGAAGGCA-3'
Protein context (NP_005550.2, residues 2888-2908): VAQEGTYFDG[Ser2898=]GYAALVKEGY